The following is an entry in ClinVar:

ClinVar aggregate classification (germline): Conflicting classifications of pathogenicity. Review status: criteria provided, conflicting classifications (1 of 4 stars). 2 submissions from 2 submitters: Uncertain significance (1); Likely benign (1). Last evaluated 2024-11-25.

gnomAD v4.1: 8 of 1,561,442 alleles (0.00051%); highest among the groups gnomAD compares: African/African-American, 0.0095%; no homozygotes.

Submissions (2):

Ambry Genetics
Classification: Likely benign. Last evaluated: 2024-11-25. Review status: criteria provided, single submitter. Criteria: Ambry Variant Classification Scheme 2023. Collection method: clinical testing. Allele origin: germline.

Labcorp Genetics (formerly Invitae), Labcorp
Classification: Uncertain significance. Last evaluated: 2024-10-06. Review status: criteria provided, single submitter. Criteria: Invitae Variant Classification Sherloc (09022015). Collection method: clinical testing. Allele origin: germline.
Comment: This sequence change replaces asparagine, which is neutral and polar, with lysine, which is basic and polar, at codon 160 of the PLD3 protein (p.Asn160Lys). The frequency data for this variant in the population databases is considered unreliable, as metrics indicate poor data quality at this position in the gnomAD database. This variant has not been reported in the literature in individuals affected with PLD3-related conditions. An algorithm developed to predict the effect of missense changes on protein structure and function outputs the following: PolyPhen-2: "Benign". The lysine amino acid residue is found in multiple mammalian species, which suggests that this missense change does not adversely affect protein function. In summary, the available evidence is currently insufficient to determine the role of this variant in disease. Therefore, it has been classified as a Variant of Uncertain Significance.

NM_012268.4(PLD3):c.480C>A (p.Asn160Lys)

Gene: PLD3 (phospholipase D family member 3; plus strand). Cytogenetic location: 19q13.2.
Variant type: single nucleotide variant.
Coding change: c.480C>A on transcript NM_012268.4 (MANE Select); coding-DNA position 480, C replaced by A.
Protein change: p.Asn160Lys; replaces asparagine 160 with lysine.
Molecular consequence: missense variant.
Genome position (GRCh38, 1-based): chr19:40,369,958, C>A. VCF-style: chr19-40369958-C-A. GRCh37 (hg19) VCF-style: chr19-40875865-C-A.
Other names: c.480C>A, p.Asn160Lys (NM_001031696.4, NM_001291311.2); short protein forms N160K.
Identifiers: ClinVar variation 3420210 (VCV003420210.3).
Genomic context (GRCh38, chr19:40,369,958, plus strand): 5'-CTCCCCGCAGGGTGAGGAGGTCCTCCGGCAGCTGCAGACCCTGGCACCAAAGGGCGTGAA[C>A]GTCCGCATCGCTGTGAGCAAGCCCAGCGGGCCCCAGCCACAGGCGGACCTGCAGGCTCTG-3'
Protein context (NP_036400.2, residues 150-170): QLQTLAPKGV[Asn160Lys]VRIAVSKPSG